The following is an entry in ClinVar:

ClinVar aggregate classification (germline): Uncertain significance (1 of 4 stars; one submission).

Submission:

Labcorp Genetics (formerly Invitae), Labcorp
Classification: Uncertain significance. Last evaluated: 2025-06-16. Review status: criteria provided, single submitter. Criteria: Invitae Variant Classification Sherloc (09022015). Collection method: clinical testing. Allele origin: germline.
Comment: This sequence change replaces leucine, which is neutral and non-polar, with phenylalanine, which is neutral and non-polar, at codon 810 of the MCM4 protein (p.Leu810Phe). This variant is not present in population databases (gnomAD no frequency). This variant has not been reported in the literature in individuals affected with MCM4-related conditions. ClinVar contains an entry for this variant (Variation ID: 3604562). Invitae Evidence Modeling of protein sequence and biophysical properties (such as structural, functional, and spatial information, amino acid conservation, physicochemical variation, residue mobility, and thermodynamic stability) indicates that this missense variant is not expected to disrupt MCM4 protein function with a negative predictive value of 80%. In summary, the available evidence is currently insufficient to determine the role of this variant in disease. Therefore, it has been classified as a Variant of Uncertain Significance.

NM_182746.3(MCM4):c.2430A>C (p.Leu810Phe)

Gene: MCM4 (minichromosome maintenance complex component 4; plus strand). Cytogenetic location: 8q11.21.
Variant type: single nucleotide variant.
Coding change: c.2430A>C on transcript NM_182746.3 (MANE Select); coding-DNA position 2430, A replaced by C.
Protein change: p.Leu810Phe; replaces leucine 810 with phenylalanine.
Molecular consequence: missense variant.
Genome position (GRCh38, 1-based): chr8:47,975,779, A>C. VCF-style: chr8-47975779-A-C. GRCh37 (hg19) VCF-style: chr8-48888339-A-C.
Other names: c.2430A>C, p.Leu810Phe (NM_005914.4); short protein forms L810F.
Identifiers: ClinVar variation 3604562 (VCV003604562.2).